The following is an entry in ClinVar:

ClinVar aggregate classification (germline): Pathogenic/Likely pathogenic. Review status: criteria provided, multiple submitters, no conflicts (2 of 4 stars). 5 submissions from 5 submitters: Pathogenic (3); Likely pathogenic (1). 1 of the submissions does not count toward it. Last evaluated 2024-04-24.

Conditions:
Rhabdomyosarcoma. Also called: Rhabdomyosarcoma (disease). Identifiers: Orphanet 780, MedGen C0035412, MeSH D012208, MONDO:0005212, HP:0002859.
Gastrointestinal stromal tumor. Also called: Gastrointestinal stromal tumor, somatic; Gastrointestinal stroma tumor. Identifiers: Orphanet 44890, MedGen C0238198, MeSH D046152, MONDO:0011719, OMIM 606764, HP:0100723.
Pheochromocytoma/paraganglioma syndrome 3. Also called: GLOMUS TUMORS, FAMILIAL, 3; SDHC-Related Hereditary Paraganglioma-Pheochromocytoma Syndrome; Paragangliomas 3; SDHC-Related Hereditary Paraganglioma-Pheochromocytoma Syndrome (Paragangliomas 3). Identifiers: Orphanet 29072, MedGen C1854336, MONDO:0011544, OMIM 605373.
Hereditary cancer-predisposing syndrome. Also called: Neoplastic Syndromes, Hereditary; Hereditary Cancer Syndrome; Hereditary neoplastic syndrome; Tumor predisposition. Identifiers: Orphanet 140162, MedGen C0027672, MeSH D009386, MONDO:0015356.

Submissions (5):

Ambry Genetics
Classification: Likely pathogenic for Hereditary cancer-predisposing syndrome. Last evaluated: 2024-04-24. Review status: criteria provided, single submitter. Criteria: Ambry Variant Classification Scheme 2023. Collection method: clinical testing. Allele origin: germline.
Comment: The p.W129* variant (also known as c.386G>A), located in coding exon 5 of the SDHC gene, results from a G to A substitution at nucleotide position 386. This changes the amino acid from a tryptophan to a stop codon within coding exon 5. This alteration occurs at the 3' terminus of theSDHC gene, is not expected to trigger nonsense-mediated mRNA decay, and only impacts the last 41 amino acids of the protein. However, premature stop codons are typically deleterious in nature and the impacted region is critical for protein function (Ambry internal data). This variant was detected in a pediatric patient with embryonal rhabdomyosarcoma (Li H et al. J Natl Cancer Inst, 2021 Jul;113:875-883). This variant is considered to be rare based on population cohorts in the Genome Aggregation Database (gnomAD). Based on the majority of available evidence to date, this variant is likely to be pathogenic.

Labcorp Genetics (formerly Invitae), Labcorp
Classification: Pathogenic for Pheochromocytoma/paraganglioma syndrome 3; Gastrointestinal stromal tumor. Last evaluated: 2024-02-29. Review status: criteria provided, single submitter. Criteria: Invitae Variant Classification Sherloc (09022015). Collection method: clinical testing. Allele origin: germline.
Comment: This sequence change creates a premature translational stop signal (p.Trp129*) in the SDHC gene. While this is not anticipated to result in nonsense mediated decay, it is expected to disrupt the last 41 amino acid(s) of the SDHC protein. This variant is not present in population databases (gnomAD no frequency). This premature translational stop signal has been observed in individual(s) with rhabdomyosarcoma (PMID: 33372952). ClinVar contains an entry for this variant (Variation ID: 978229). Algorithms developed to predict the effect of sequence changes on RNA splicing suggest that this variant may disrupt the consensus splice site. This variant disrupts a region of the SDHC protein in which other variant(s) (p.Arg133*) have been determined to be pathogenic (PMID: 23083876, 24423348, 24758179, 27700540). This suggests that this is a clinically significant region of the protein, and that variants that disrupt it are likely to be disease-causing. For these reasons, this variant has been classified as Pathogenic.

Myriad Genetics, Inc.
Classification: Pathogenic for Pheochromocytoma/paraganglioma syndrome 3. Last evaluated: 2023-12-18. Review status: criteria provided, single submitter. Criteria: Myriad Autosomal Dominant, Autosomal Recessive and X-Linked Classification Criteria (2023). Collection method: clinical testing. Allele origin: unknown.
Comment: This variant is considered pathogenic. This variant creates a termination codon and is predicted to result in premature protein truncation.

Department of Medical Genetics, College of Basic Medicine, Army Medical University
Classification: Pathogenic for Pheochromocytoma/paraganglioma syndrome 3. Last evaluated: 2020-07-15. Review status: criteria provided, single submitter. Criteria: ACMG Guidelines, 2015. Collection method: clinical testing. Allele origin: germline. Inheritance: Autosomal dominant inheritance. Affected: no and yes. Observed: 3 variant alleles, 4 heterozygotes. Clinical features observed: Hypertensive disorder (HP:0000822), Paragangliomas.
Comment: The Trp129Ter variant in SDHC creates a premature nonsense codon, which has been reported in ClinVar as Pathogenic in Hereditary cancer-predisposing syndrome.

Human Genome Sequencing Center Clinical Lab, Baylor College of Medicine
Classification: Likely pathogenic for Rhabdomyosarcoma. Last evaluated: 2020-09-01. Review status: no assertion criteria provided. Collection method: provider interpretation. Allele origin: germline. Affected: yes. Not counted in ClinVar's aggregate classification.

Literature cited by the submitters: PubMed 33372952 (cited by 3 submitters); PubMed 23083876 (cited by Labcorp Genetics (formerly Invitae), Labcorp); PubMed 24423348 (cited by Labcorp Genetics (formerly Invitae), Labcorp); PubMed 24758179 (cited by Labcorp Genetics (formerly Invitae), Labcorp); PubMed 27700540 (cited by Labcorp Genetics (formerly Invitae), Labcorp).

NM_003001.5(SDHC):c.386G>A (p.Trp129Ter)

Gene: SDHC (succinate dehydrogenase complex subunit C; plus strand). Cytogenetic location: 1q23.3.
Variant type: single nucleotide variant.
Coding change: c.386G>A on transcript NM_003001.5 (MANE Select); coding-DNA position 386, G replaced by A.
Protein change: p.Trp129Ter; replaces tryptophan 129 with a stop codon.
Molecular consequence: nonsense. On other transcripts: non-coding transcript variant (1), intron variant (3).
Genome position (GRCh38, 1-based): chr1:161,356,821, G>A. VCF-style: chr1-161356821-G-A. GRCh37 (hg19) VCF-style: chr1-161326611-G-A.
Other names: c.284G>A, p.Trp95Ter (NM_001035512.3); c.227G>A, p.Trp76Ter (NM_001035513.3); c.506G>A, p.Trp169Ter (NM_001407115.1); c.329G>A, p.Trp110Ter (NM_001407116.1); c.323G>A, p.Trp108Ter (NM_001407117.1); c.278G>A, p.Trp93Ter (NM_001407118.1); c.275G>A, p.Trp92Ter (NM_001407119.1, NM_001407120.1); c.242-5508G>A (NM_001035511.3); and 2 more; short protein forms W129*, W76*, W95*, W108*, W169*, W92*, W110*, W93*.
Identifiers: ClinVar variation 978229 (VCV000978229.13), dbSNP rs1672294906, ClinGen allele CA343456707.